The following is an entry in ClinVar:

ClinVar aggregate classification (germline): Uncertain significance (1 of 4 stars; one submission).

Conditions:
Primary ciliary dyskinesia. Also called: Ciliary dyskinesia. Identifiers: Orphanet 244, MedGen C0008780, MONDO:0016575, HP:0012265.

Submission:

Labcorp Genetics (formerly Invitae), Labcorp
Classification: Uncertain significance for Primary ciliary dyskinesia. Last evaluated: 2023-12-14. Review status: criteria provided, single submitter. Criteria: Invitae Variant Classification Sherloc (09022015). Collection method: clinical testing. Allele origin: germline.
Comment: This sequence change replaces serine, which is neutral and polar, with isoleucine, which is neutral and non-polar, at codon 3073 of the DNAH11 protein (p.Ser3073Ile). This variant is present in population databases (no rsID available, gnomAD 0.002%). This variant has not been reported in the literature in individuals affected with DNAH11-related conditions. An algorithm developed to predict the effect of missense changes on protein structure and function (PolyPhen-2) suggests that this variant is likely to be disruptive. In summary, the available evidence is currently insufficient to determine the role of this variant in disease. Therefore, it has been classified as a Variant of Uncertain Significance.

NM_001277115.2(DNAH11):c.9218_9219delinsTC (p.Ser3073Ile)

Gene: DNAH11 (dynein axonemal heavy chain 11; plus strand). Cytogenetic location: 7p15.3.
Variant type: Indel.
Coding change: c.9218_9219delinsTC on transcript NM_001277115.2 (MANE Select); coding-DNA positions 9218 to 9219, GT replaced by TC.
Protein change: p.Ser3073Ile; replaces serine 3073 with isoleucine.
Molecular consequence: missense variant.
Genome position (GRCh38, 1-based): chr7:21,773,881-21,773,882, GT replaced by TC. VCF-style: chr7-21773881-GT-TC. GRCh37 (hg19) VCF-style: chr7-21813499-GT-TC.
Other names: c.9239_9240delGTinsTC, p.Ser3080Ile (NM_003777.3); short protein forms S3073I, S3080I.
Identifiers: ClinVar variation 2886263 (VCV002886263.2), dbSNP rs2535218040, ClinGen allele CA2739266335.